The following is an entry in ClinVar:

NM_022124.6(CDH23):c.7399A>G (p.Lys2467Glu)

Gene: CDH23 (cadherin related 23; plus strand). Cytogenetic location: 10q22.1.
Variant type: single nucleotide variant.
Coding change: c.7399A>G on transcript NM_022124.6 (MANE Select); coding-DNA position 7399, A replaced by G.
Protein change: p.Lys2467Glu; replaces lysine 2467 with glutamic acid.
Molecular consequence: missense variant.
Genome position (GRCh38, 1-based): chr10:71,800,672, A>G. VCF-style: chr10-71800672-A-G. GRCh37 (hg19) VCF-style: chr10-73560429-A-G.
Other names: c.679A>G, p.Lys227Glu (NM_001171933.1, NM_001171934.1); short protein forms K227E, K2467E.
Identifiers: ClinVar variation 1013994 (VCV001013994.3), dbSNP rs762446057, ClinGen allele CA5546338.

ClinVar aggregate classification (germline): Uncertain significance. Review status: criteria provided, single submitter (1 of 4 stars). 2 submissions from 2 submitters: Uncertain significance (1). 1 of the submissions does not count toward it. Last evaluated 2021-08-31.

Conditions:
Usher syndrome type 1 (USH1). Also called: RETINITIS PIGMENTOSA AND CONGENITAL DEAFNESS. Identifiers: Orphanet 231169, Orphanet 886, MedGen C1568247, MONDO:0010168, OMIM 276900.

Allele frequency attached by ClinVar (database versions not stated): gnomAD 0.00001; ExAC 0.00002; gnomAD exomes 0.00001 and 0.00002; TOPMed 0.00001.
gnomAD v4.1: 32 of 1,613,678 alleles (0.002%); highest among the groups gnomAD compares: South Asian, 0.0088%; no homozygotes.

Submissions (2):

Labcorp Genetics (formerly Invitae), Labcorp
Classification: Uncertain significance. Last evaluated: 2021-08-31. Review status: criteria provided, single submitter. Criteria: Invitae Variant Classification Sherloc (09022015). Collection method: clinical testing. Allele origin: germline.
Comment: This sequence change replaces lysine with glutamic acid at codon 2467 of the CDH23 protein (p.Lys2467Glu). The lysine residue is highly conserved and there is a small physicochemical difference between lysine and glutamic acid. This variant is present in population databases (rs762446057, ExAC 0.01%). This variant has not been reported in the literature in individuals affected with CDH23-related conditions. Algorithms developed to predict the effect of missense changes on protein structure and function output the following: SIFT: "Deleterious"; PolyPhen-2: "Not Available"; Align-GVGD: "Class C0". The glutamic acid amino acid residue is found in multiple mammalian species, which suggests that this missense change does not adversely affect protein function. In summary, the available evidence is currently insufficient to determine the role of this variant in disease. Therefore, it has been classified as a Variant of Uncertain Significance.

Natera, Inc.
Classification: Uncertain significance for Usher syndrome type 1. Last evaluated: 2020-03-04. Review status: no assertion criteria provided. Collection method: clinical testing. Allele origin: germline. Not counted in ClinVar's aggregate classification.